The following is an entry in ClinVar:

NM_004535.3(MYT1):c.1869C>T (p.Ala623=)

Gene: MYT1 (myelin transcription factor 1; plus strand). Cytogenetic location: 20q13.33.
Variant type: single nucleotide variant.
Coding change: c.1869C>T on transcript NM_004535.3 (MANE Select); coding-DNA position 1869, C replaced by T.
Protein change: p.Ala623=; no amino-acid change (alanine 623 retained).
Molecular consequence: synonymous variant.
Genome position (GRCh38, 1-based): chr20:64,218,933, C>T. VCF-style: chr20-64218933-C-T. GRCh37 (hg19) VCF-style: chr20-62850286-C-T.
Identifiers: ClinVar variation 3040073 (VCV003040073.2), dbSNP rs141771297, ClinGen allele CA9975017.

ClinVar aggregate classification (germline): Likely benign (0 of 4 stars; one submission).

Conditions:
MYT1-related disorder. Also called: MYT1-related condition.

Allele frequency attached by ClinVar (database versions not stated): ESP Exome Variant Server 0.00023; 1000 Genomes Project 30x 0.00031.
gnomAD v4.1: 350 of 1,613,660 alleles (0.022%); highest among the groups gnomAD compares: Non-Finnish European, 0.026%; 1 homozygote.

Submission:

PreventionGenetics, part of Exact Sciences
Classification: Likely benign for MYT1-related condition. Last evaluated: 2019-09-10. Review status: no assertion criteria provided. Collection method: clinical testing. Allele origin: germline.
Comment: This variant is classified as likely benign based on ACMG/AMP sequence variant interpretation guidelines (Richards et al. 2015 PMID: 25741868, with internal and published modifications).